The following is an entry in ClinVar:

NM_000346.4(SOX9):c.479G>C (p.Arg160Pro)

Gene: SOX9 (SRY-box transcription factor 9; plus strand). Cytogenetic location: 17q24.3.
Variant type: single nucleotide variant.
Coding change: c.479G>C on transcript NM_000346.4 (MANE Select); coding-DNA position 479, G replaced by C.
Protein change: p.Arg160Pro; replaces arginine 160 with proline.
Molecular consequence: missense variant.
Genome position (GRCh38, 1-based): chr17:72,122,766, G>C. VCF-style: chr17-72122766-G-C. GRCh37 (hg19) VCF-style: chr17-70118907-G-C.
Other names: short protein forms R160P.
Identifiers: ClinVar variation 373438 (VCV000373438.1), dbSNP rs1057518419, ClinGen allele CA16043055.

ClinVar aggregate classification (germline): Likely pathogenic (1 of 4 stars; one submission).

Submission:

GeneDx
Classification: Likely pathogenic. Last evaluated: 2016-11-29. Review status: criteria provided, single submitter. Criteria: GeneDx Variant Classification (06012015). Collection method: clinical testing. Allele origin: germline. Affected: yes.
Comment: The R160P variant has not been published as a pathogenic variant, nor has it been reported as a benign variant to our knowledge. This variant has been observed apparently de novo at GeneDx. The R160P variant was not observed in approximately 6500 individuals of European and African American ancestry in the NHLBI Exome Sequencing Project, indicating it is not a common benign variant in these populations. The R160P variant is a non-conservative amino acid substitution, which is likely to impact secondary protein structure as these residues differ in polarity, charge, size and/or other properties. This substitution occurs at a position that is conserved across species. In silico analysis predicts this variant is probably damaging to the protein structure/function. Missense variants in nearby residues (A158T/V, H165Y/P/Q) have been reported in the Human Gene Mutation Database in association with campomelic dysplasia (Stenson et al., 2014), supporting the functional importance of this region of the protein.